The following is an entry in ClinVar:

NM_153704.6(TMEM67):c.1594G>T (p.Gly532Cys)

Gene: TMEM67 (transmembrane protein 67; plus strand). Cytogenetic location: 8q22.1.
Variant type: single nucleotide variant.
Coding change: c.1594G>T on transcript NM_153704.6 (MANE Select); coding-DNA position 1594, G replaced by T.
Protein change: p.Gly532Cys; replaces glycine 532 with cysteine.
Molecular consequence: missense variant. On other transcripts: non-coding transcript variant (1).
Genome position (GRCh38, 1-based): chr8:93,793,216, G>T. VCF-style: chr8-93793216-G-T. GRCh37 (hg19) VCF-style: chr8-94805444-G-T.
Other names: c.1351G>T, p.Gly451Cys (NM_001142301.1); short protein forms G532C, G451C.
Identifiers: ClinVar variation 2069379 (VCV002069379.3), dbSNP rs1196732896, ClinGen allele CA371691179.
Genomic context (GRCh38, chr8:93,793,216, plus strand): 5'-ACAGAAATTACATAAATTCTCAATTGTTCTTTTGTTTTTTAGATTGCTTTGGGTGTATTG[G>T]GTGGGCTAGCTGTTTTAGCATCTCTTTTGAAGACAGCAGGATGGAAGAGGCGCATTGGGA-3'
Protein context (NP_714915.3, residues 522-542): VQTDIALGVL[Gly532Cys]GLAVLASLLK

ClinVar aggregate classification (germline): Uncertain significance (1 of 4 stars; one submission).

Conditions:
Joubert syndrome. Also called: CEREBELLOPARENCHYMAL DISORDER IV; JOUBERT-BOLTSHAUSER SYNDROME; Familial aplasia of the vermis. Identifiers: Orphanet 475, MedGen C5979921, MONDO:0018772.
Meckel-Gruber syndrome. Also called: DYSENCEPHALIA SPLANCHNOCYSTICA; GRUBER SYNDROME; Dysencephalia splachnocystica. Identifiers: Orphanet 564, MedGen C0265215, MONDO:0018921.

Allele frequency attached by ClinVar (database versions not stated): gnomAD exomes below 0.00001.
gnomAD v4.1: 1 of 1,614,008 alleles (0.000062%); highest among the groups gnomAD compares: Admixed American, 0.0017%; no homozygotes.

Submission:

Labcorp Genetics (formerly Invitae), Labcorp
Classification: Uncertain significance for Joubert syndrome; Meckel-Gruber syndrome. Last evaluated: 2024-12-02. Review status: criteria provided, single submitter. Criteria: Invitae Variant Classification Sherloc (09022015). Collection method: clinical testing. Allele origin: germline.
Comment: This sequence change replaces glycine, which is neutral and non-polar, with cysteine, which is neutral and slightly polar, at codon 532 of the TMEM67 protein (p.Gly532Cys). The frequency data for this variant in the population databases is considered unreliable, as metrics indicate poor data quality at this position in the gnomAD database. This variant has not been reported in the literature in individuals affected with TMEM67-related conditions. ClinVar contains an entry for this variant (Variation ID: 2069379). Invitae Evidence Modeling of protein sequence and biophysical properties (such as structural, functional, and spatial information, amino acid conservation, physicochemical variation, residue mobility, and thermodynamic stability) indicates that this missense variant is expected to disrupt TMEM67 protein function with a positive predictive value of 95%. In summary, the available evidence is currently insufficient to determine the role of this variant in disease. Therefore, it has been classified as a Variant of Uncertain Significance.